The following is an entry in ClinVar:

ClinVar aggregate classification (germline): Uncertain significance. Review status: criteria provided, multiple submitters, no conflicts (2 of 4 stars). 2 submissions from 2 submitters: Uncertain significance (2). Last evaluated 2024-06-17.

Conditions:
Gastrointestinal stromal tumor. Also called: Gastrointestinal stromal tumor, somatic; Gastrointestinal stroma tumor. Identifiers: Orphanet 44890, MedGen C0238198, MeSH D046152, MONDO:0011719, OMIM 606764, HP:0100723.
Hereditary cancer-predisposing syndrome. Also called: Tumor predisposition; Neoplastic Syndromes, Hereditary; Hereditary neoplastic syndrome; Hereditary Cancer Syndrome. Identifiers: Orphanet 140162, MedGen C0027672, MeSH D009386, MONDO:0015356.

Allele frequency attached by ClinVar (database versions not stated): TOPMed below 0.00001.
gnomAD v4.1: 1 of 1,613,908 alleles (0.000062%); no homozygotes.

Submissions (2):

Ambry Genetics
Classification: Uncertain significance for Hereditary cancer-predisposing syndrome. Last evaluated: 2024-06-17. Review status: criteria provided, single submitter. Criteria: Ambry Variant Classification Scheme 2023. Collection method: clinical testing. Allele origin: germline.
Comment: The p.T192S variant (also known as c.575C>G), located in coding exon 3 of the PDGFRA gene, results from a C to G substitution at nucleotide position 575. The threonine at codon 192 is replaced by serine, an amino acid with similar properties. This amino acid position is conserved. In addition, this alteration is predicted to be tolerated by in silico analysis. Based on the available evidence, the clinical significance of this variant remains unclear.

Labcorp Genetics (formerly Invitae), Labcorp
Classification: Uncertain significance for Gastrointestinal stromal tumor. Last evaluated: 2024-04-22. Review status: criteria provided, single submitter. Criteria: Invitae Variant Classification Sherloc (09022015). Collection method: clinical testing. Allele origin: germline.
Comment: This sequence change replaces threonine, which is neutral and polar, with serine, which is neutral and polar, at codon 192 of the PDGFRA protein (p.Thr192Ser). This variant is not present in population databases (gnomAD no frequency). This variant has not been reported in the literature in individuals affected with PDGFRA-related conditions. ClinVar contains an entry for this variant (Variation ID: 1018986). Advanced modeling of protein sequence and biophysical properties (such as structural, functional, and spatial information, amino acid conservation, physicochemical variation, residue mobility, and thermodynamic stability) performed at Invitae indicates that this missense variant is not expected to disrupt PDGFRA protein function with a negative predictive value of 80%. In summary, the available evidence is currently insufficient to determine the role of this variant in disease. Therefore, it has been classified as a Variant of Uncertain Significance.

NM_006206.6(PDGFRA):c.575C>G (p.Thr192Ser)

Gene: PDGFRA (platelet derived growth factor receptor alpha; plus strand). Cytogenetic location: 4q12.
Variant type: single nucleotide variant.
Coding change: c.575C>G on transcript NM_006206.6 (MANE Select); coding-DNA position 575, C replaced by G.
Protein change: p.Thr192Ser; replaces threonine 192 with serine.
Molecular consequence: missense variant.
Genome position (GRCh38, 1-based): chr4:54,263,874, C>G. VCF-style: chr4-54263874-C-G. GRCh37 (hg19) VCF-style: chr4-55130041-C-G.
Other names: c.575C>G, p.Thr192Ser (NM_001347827.2, NM_001347829.2); c.650C>G, p.Thr217Ser (NM_001347828.2); c.614C>G, p.Thr205Ser (NM_001347830.2); c.575C>G (NM_006206.4); short protein forms T192S, T205S, T217S.
Identifiers: ClinVar variation 1018986 (VCV001018986.10), dbSNP rs1273444748, ClinGen allele CA356890118.